The following is an entry in ClinVar:

NM_014946.4(SPAST):c.1701del (p.Glu567fs)

Gene: SPAST (spastin; plus strand). Cytogenetic location: 2p22.3.
Variant type: Deletion.
Coding change: c.1701del on transcript NM_014946.4 (MANE Select); coding-DNA position 1701, one base deleted (A; older notation c.1701delA).
Protein change: p.Glu567fs; shifts the reading frame from glutamic acid 567.
Molecular consequence: frameshift variant.
Genome position (GRCh38, 1-based): chr2:32,147,231, A deleted; the last of 2 consecutive A bases (chr2:32,147,230-32,147,231); deleting either gives the same sequence. VCF-style (leftmost placement, unchanged base first): chr2-32147229-GA-G. GRCh37 (hg19) VCF-style: chr2-32372298-GA-G.
Other names: c.1698del, p.Glu566fs (NM_001363823.2); c.1602del, p.Glu534fs (NM_001363875.2); c.1534del, p.Thr512fs (NM_001377959.1); c.1701delA, p.Glu567Aspfs (NM_014946.3); c.1605del, p.Glu535fs (NM_199436.2); short protein forms E534fs, E535fs, E566fs, E567fs, T512fs.
Identifiers: ClinVar variation 1807009 (VCV001807009.1), dbSNP rs2148762787, ClinGen allele CA2580066424.

ClinVar aggregate classification (germline): Pathogenic (1 of 4 stars; one submission).

Submission:

Athena Diagnostics
Classification: Pathogenic. Last evaluated: 2022-03-22. Review status: criteria provided, single submitter. Criteria: Athena Diagnostics Criteria. Collection method: clinical testing. Allele origin: unknown.
Comment: This variant is expected to result in the loss of a functional protein. This variant has not been reported in large, multi-ethnic general populations. This variant has been identified in at least one individual tested at Athena Diagnostics with clinical features associated with this gene.